The following is an entry in ClinVar:

ClinVar aggregate classification (germline): Uncertain significance (1 of 4 stars; one submission).

Conditions:
Joubert syndrome. Also called: CEREBELLOPARENCHYMAL DISORDER IV; JOUBERT-BOLTSHAUSER SYNDROME; Familial aplasia of the vermis. Identifiers: Orphanet 475, MedGen C5979921, MONDO:0018772.
Meckel-Gruber syndrome. Also called: DYSENCEPHALIA SPLANCHNOCYSTICA; GRUBER SYNDROME; Dysencephalia splachnocystica. Identifiers: Orphanet 564, MedGen C0265215, MONDO:0018921.

Submission:

Labcorp Genetics (formerly Invitae), Labcorp
Classification: Uncertain significance for Joubert syndrome; Meckel-Gruber syndrome. Last evaluated: 2022-04-19. Review status: criteria provided, single submitter. Criteria: Invitae Variant Classification Sherloc (09022015). Collection method: clinical testing. Allele origin: germline.
Comment: Algorithms developed to predict the effect of sequence changes on RNA splicing suggest that this variant may disrupt the consensus splice site. This sequence change replaces threonine, which is neutral and polar, with asparagine, which is neutral and polar, at codon 439 of the TMEM67 protein (p.Thr439Asn). This variant is not present in population databases (gnomAD no frequency). This variant has not been reported in the literature in individuals affected with TMEM67-related conditions. Advanced modeling of protein sequence and biophysical properties (such as structural, functional, and spatial information, amino acid conservation, physicochemical variation, residue mobility, and thermodynamic stability) performed at Invitae indicates that this missense variant is expected to disrupt TMEM67 protein function. In summary, the available evidence is currently insufficient to determine the role of this variant in disease. Therefore, it has been classified as a Variant of Uncertain Significance.

NM_153704.6(TMEM67):c.1316C>A (p.Thr439Asn)

Gene: TMEM67 (transmembrane protein 67; plus strand). Cytogenetic location: 8q22.1.
Variant type: single nucleotide variant.
Coding change: c.1316C>A on transcript NM_153704.6 (MANE Select); coding-DNA position 1316, C replaced by A.
Protein change: p.Thr439Asn; replaces threonine 439 with asparagine.
Molecular consequence: missense variant. On other transcripts: non-coding transcript variant (1).
Genome position (GRCh38, 1-based): chr8:93,786,250, C>A. VCF-style: chr8-93786250-C-A. GRCh37 (hg19) VCF-style: chr8-94798478-C-A.
Other names: c.1073C>A, p.Thr358Asn (NM_001142301.1); short protein forms T439N, T358N.
Identifiers: ClinVar variation 2127377 (VCV002127377.4), dbSNP rs771248957, ClinGen allele CA371689689.